The following is an entry in ClinVar:

ClinVar aggregate classification (germline): Uncertain significance. Review status: criteria provided, multiple submitters, no conflicts (2 of 4 stars). 3 submissions from 3 submitters: Uncertain significance (3). Last evaluated 2024-06-19.

Conditions:
Epidermolysis bullosa simplex 5B, with muscular dystrophy (EBS5B). Also called: EPIDERMOLYSIS BULLOSA SIMPLEX AND LIMB-GIRDLE MUSCULAR DYSTROPHY; Epidermolysis bullosa simplex with muscular dystrophy. Identifiers: Orphanet 257, MedGen C2931072, MONDO:0009181, OMIM 226670.
Epidermolysis bullosa simplex, Ogna type (EBS5A). Also called: Pidermolysis bullosa simplex 5A, Ogna type; EPIDERMOLYSIS BULLOSA SIMPLEX 5A, OGNA TYPE. Identifiers: Orphanet 79401, MedGen C0432317, MONDO:0007555, OMIM 131950.
Epidermolysis bullosa simplex 5C, with pyloric atresia (EBS5C). Also called: Epidermolysis bullosa simplex with pyloric atresia; PLEC-Related Epidermolysis Bullosa with Pyloric Atresia; PLEC1-Related Epidermolysis Bullosa with Pyloric Atresia. Identifiers: Orphanet 158684, MedGen C2677349, MONDO:0012807, OMIM 612138.
Epidermolysis bullosa simplex with nail dystrophy (EBS5D). Identifiers: MedGen C4225309, MONDO:0014661, OMIM 616487.
Autosomal recessive limb-girdle muscular dystrophy type 2Q (LGMDR17). Also called: MUSCULAR DYSTROPHY, LIMB-GIRDLE, AUTOSOMAL RECESSIVE 17. Identifiers: Orphanet 254361, MedGen C3150989, MONDO:0013390, OMIM 613723.

Submissions (3):

Women's Health and Genetics/Laboratory Corporation of America, LabCorp
Classification: Uncertain significance. Last evaluated: 2024-06-19. Review status: criteria provided, single submitter. Criteria: LabCorp Variant Classification Summary - May 2015. Collection method: clinical testing. Allele origin: germline.
Comment: Variant summary: PLEC c.7688_7699dup12 (p.Arg2563_Gln2566dup) results in an in-frame duplication that is predicted to duplicate 4 amino acids into the encoded protein. The variant allele was found at a frequency of 6.3e-06 in 159118 control chromosomes (gnomAD). The available data on variant occurrences in the general population are insufficient to allow any conclusion about variant significance. To our knowledge, no occurrence of c.7688_7699dup12 in individuals affected with PLEC-Related Disorders and no experimental evidence demonstrating its impact on protein function have been reported. ClinVar contains an entry for this variant (Variation ID: 935352). Based on the evidence outlined above, the variant was classified as uncertain significance.

Labcorp Genetics (formerly Invitae), Labcorp
Classification: Uncertain significance for Autosomal recessive limb-girdle muscular dystrophy type 2Q; Epidermolysis bullosa simplex, Ogna type; Epidermolysis bullosa simplex with nail dystrophy; Epidermolysis bullosa simplex 5C, with pyloric atresia; Epidermolysis bullosa simplex 5B, with muscular dystrophy. Last evaluated: 2022-06-23. Review status: criteria provided, single submitter. Criteria: Invitae Variant Classification Sherloc (09022015). Collection method: clinical testing. Allele origin: germline.
Comment: In summary, the available evidence is currently insufficient to determine the role of this variant in disease. Therefore, it has been classified as a Variant of Uncertain Significance. ClinVar contains an entry for this variant (Variation ID: 935352). This variant has not been reported in the literature in individuals affected with PLEC-related conditions. This variant is not present in population databases (gnomAD no frequency). This variant, c.7688_7699dup, results in the insertion of 4 amino acid(s) of the PLEC protein (p.Arg2563_Gln2566dup), but otherwise preserves the integrity of the reading frame. Experimental studies and prediction algorithms are not available or were not evaluated, and the functional significance of this variant is currently unknown.

Revvity Omics, Revvity
Classification: Uncertain significance. Last evaluated: 2020-06-02. Review status: criteria provided, single submitter. Criteria: ACMG Guidelines, 2015. Collection method: clinical testing. Allele origin: germline.

NM_201384.3(PLEC):c.7607_7618dup (p.Arg2536_Gln2539dup)

Gene: PLEC (plectin; minus strand). Cytogenetic location: 8q24.3.
Variant type: Duplication.
Coding change: c.7607_7618dup on transcript NM_201384.3 (MANE Select); coding-DNA positions 7607 to 7618, 12 bases duplicated (GGCAGCAGCAGC).
Protein change: p.Arg2536_Gln2539dup.
Molecular consequence: inframe insertion.
Genome position (GRCh38, 1-based): chr8:143,922,203-143,922,214, GCTGCTGCTGCC duplicated on the plus strand (GGCAGCAGCAGC on the coding strand, the reverse complement: PLEC is on the minus strand); duplicating any 12 consecutive bases within chr8:143,922,203-143,922,223 gives the same sequence; the c. name uses the placement nearest the transcript's 3' end. VCF-style (leftmost placement, unchanged base first): chr8-143922202-T-TGCTGCTGCTGCC. GRCh37 (hg19) VCF-style: chr8-144996370-T-TGCTGCTGCTGCC.
Other names: c.7688_7699dup, p.Arg2563_Gln2566dup (NM_000445.5); c.7565_7576dup, p.Arg2522_Gln2525dup (NM_201378.4); c.7541_7552dup, p.Arg2514_Gln2517dup (NM_201379.3); c.8018_8029dup, p.Arg2673_Gln2676dup (NM_201380.4); c.7511_7522dup, p.Arg2504_Gln2507dup (NM_201381.3); c.7607_7618dup, p.Arg2536_Gln2539dup (NM_201382.4); c.7619_7630dup, p.Arg2540_Gln2543dup (NM_201383.3); c.7688_7699dup12 (NM_000445.5).
Identifiers: ClinVar variation 935352 (VCV000935352.10), dbSNP rs1372588772, ClinGen allele CA848806076.